The following is an entry in ClinVar:

NM_176787.5(PIGN):c.293A>G (p.His98Arg)

Gene: PIGN (phosphatidylinositol glycan anchor biosynthesis class N; minus strand). Cytogenetic location: 18q21.33.
Variant type: single nucleotide variant.
Coding change: c.293A>G on transcript NM_176787.5 (MANE Select); coding-DNA position 293, A replaced by G.
Protein change: p.His98Arg; replaces histidine 98 with arginine.
Molecular consequence: missense variant.
Genome position (GRCh38, 1-based): chr18:62,157,737, T>C on the plus strand (A>G on the coding strand, the complement: PIGN is on the minus strand). VCF-style: chr18-62157737-T-C. GRCh37 (hg19) VCF-style: chr18-59824970-T-C.
Other names: c.293A>G, p.His98Arg (NM_001438905.1, NM_001438910.1, NM_012327.6 and 2 more transcripts); short protein forms H98R.
Identifiers: ClinVar variation 4854747 (VCV004854747.1).

ClinVar aggregate classification (germline): Uncertain significance (1 of 4 stars; one submission).

Conditions:
Multiple congenital anomalies-hypotonia-seizures syndrome 1 (MCAHS1). Also called: GLYCOSYLPHOSPHATIDYLINOSITOL BIOSYNTHESIS DEFECT 3; PIGN-CDG; Congenital disorder of glycosylation due to PIGN deficiency. Identifiers: Orphanet 280633, MedGen C3279775, MONDO:0013563, OMIM 614080.

gnomAD v4.1: 1 of 1,612,654 alleles (0.000062%); highest among the groups gnomAD compares: Admixed American, 0.0017%; no homozygotes.

Submission:

3billion
Classification: Uncertain significance for Multiple congenital anomalies-hypotonia-seizures syndrome 1. Last evaluated: 2025-12-05. Review status: criteria provided, single submitter. Criteria: ACMG Guidelines, 2015. Collection method: clinical testing. Allele origin: germline. Affected: yes.
Comment: The variant is observed at an extremely low frequency in the gnomAD v4.1.0 dataset (total allele frequency: <0.001%). Predicted Consequence/Location: Missense variant. The majority of the known disease-causing variants of this gene are variants expected to result in premature termination of the protein. In silico tool predictions suggest damaging effect of the variant on gene or gene product [REVEL: 0.92 (>=0.6, sensitivity 0.68 and specificity 0.92); 3Cnet: 0.95 (> 0.75, sensitivity 0.96 and precision 0.92)]. Therefore, this variant is classified as VUS according to the recommendation of ACMG/AMP guideline.